The following is an entry in ClinVar:

ClinVar aggregate classification (germline): Uncertain significance (1 of 4 stars; one submission).

Allele frequency attached by ClinVar (database versions not stated): gnomAD 0.00001; gnomAD exomes 0.00001; TOPMed 0.00004; ESP Exome Variant Server 0.00008.
gnomAD v4.1: 15 of 1,613,894 alleles (0.00093%); highest among the groups gnomAD compares: South Asian, 0.0066%; no homozygotes.

Submission:

Labcorp Genetics (formerly Invitae), Labcorp
Classification: Uncertain significance. Last evaluated: 2025-06-12. Review status: criteria provided, single submitter. Criteria: Invitae Variant Classification Sherloc (09022015). Collection method: clinical testing. Allele origin: germline.
Comment: This sequence change replaces arginine, which is basic and polar, with cysteine, which is neutral and slightly polar, at codon 477 of the AGT protein (p.Arg477Cys). This variant is present in population databases (rs267598410, gnomAD 0.01%). This variant has not been reported in the literature in individuals affected with AGT-related conditions. ClinVar contains an entry for this variant (Variation ID: 1989009). Invitae Evidence Modeling of protein sequence and biophysical properties (such as structural, functional, and spatial information, amino acid conservation, physicochemical variation, residue mobility, and thermodynamic stability) indicates that this missense variant is expected to disrupt AGT protein function with a positive predictive value of 80%. In summary, the available evidence is currently insufficient to determine the role of this variant in disease. Therefore, it has been classified as a Variant of Uncertain Significance.

NC_000001.11:g.230703170G>A

Gene: AGT (angiotensinogen; minus strand). Cytogenetic location: 1q42.2.
Variant type: single nucleotide variant.
Genome position: GRCh38 VCF-style: chr1-230703170-G-A. GRCh37 (hg19) VCF-style: chr1-230838916-G-A.
Identifiers: ClinVar variation 1989009 (VCV001989009.4), dbSNP rs267598410, ClinGen allele CA1448030.